The following is an entry in ClinVar:

ClinVar aggregate classification (germline): Likely benign (1 of 4 stars; one submission).

Conditions:
Neurodegeneration with brain iron accumulation 4 (NBIA4). Also called: MITOCHONDRIAL PROTEIN-ASSOCIATED NEURODEGENERATION. Identifiers: Orphanet 289560, MedGen C3280371, MONDO:0013674, OMIM 614298. Disease mechanism: loss of function.

Allele frequency attached by ClinVar (database versions not stated): gnomAD 0.00002; TOPMed 0.00003; 1000 Genomes Project 0.00100; gnomAD exomes 0.00123 and 0.00127; 1000 Genomes Project 30x 0.00141; ExAC 0.00492.
gnomAD v4.1: 410 of 454,092 alleles (0.09%); highest among the groups gnomAD compares: South Asian, 0.6%; 8 homozygotes.

Submission:

Illumina Laboratory Services, Illumina
Classification: Likely benign for Neurodegeneration with brain iron accumulation 4. Last evaluated: 2018-01-12. Review status: criteria provided, single submitter. Criteria: ICSL Variant Classification Criteria 13 December 2019. Collection method: clinical testing. Allele origin: germline.
Comment: This variant was observed in the ICSL laboratory as part of a predisposition screen in an ostensibly healthy population. It had not been previously curated by ICSL or reported in the Human Gene Mutation Database (HGMD: prior to June 1st, 2018), and was therefore a candidate for classification through an automated scoring system. Utilizing variant allele frequency, disease prevalence and penetrance estimates, and inheritance mode, an automated score was calculated to assess if this variant is too frequent to cause the disease. Based on the score and internal cut-off values, a variant classified as likely benign is not then subjected to further curation. The score for this variant resulted in a classification of likely benign for this disease.

NM_031448.6(C19orf12):c.*2692C>T

Gene: C19orf12 (chromosome 19 open reading frame 12; minus strand). Cytogenetic location: 19q12.
Variant type: single nucleotide variant.
Coding change: c.*2692C>T on transcript NM_031448.6 (MANE Select); 2692 bases downstream of the stop codon, C replaced by T.
Molecular consequence: 3 prime UTR variant.
Genome position (GRCh38, 1-based): chr19:29,700,020, G>A on the plus strand (C>T on the coding strand, the complement: C19orf12 is on the minus strand). VCF-style: chr19-29700020-G-A. GRCh37 (hg19) VCF-style: chr19-30190927-G-A.
Other names: c.*2692C>T (NM_001031726.4, NM_001256047.2, NM_001282929.1 and 2 more transcripts); c.*2739C>T (NM_001256046.3).
Identifiers: ClinVar variation 888792 (VCV000888792.4), dbSNP rs569552156, ClinGen allele CA9351672.